The following is an entry in ClinVar:

ClinVar aggregate classification (germline): Uncertain significance. Review status: criteria provided, multiple submitters, no conflicts (2 of 4 stars). 3 submissions from 3 submitters: Uncertain significance (3). Last evaluated 2023-11-27.

Conditions:
Neonatal-onset encephalopathy with rigidity and seizures. Also called: Lethal neonatal spasticity-epileptic encephalopathy syndrome. Identifiers: Orphanet 435845, MedGen C3281029, MONDO:0013784, OMIM 614498.
Inborn genetic diseases. Identifiers: MedGen C0950123, MeSH D030342.

Allele frequency attached by ClinVar (database versions not stated): TOPMed below 0.00001; gnomAD 0.00001; gnomAD exomes 0.00001 and 0.00003; ExAC 0.00003.
gnomAD v4.1: 46 of 1,612,708 alleles (0.0029%); highest among the groups gnomAD compares: Non-Finnish European, 0.0037%; no homozygotes.

Submissions (3):

Labcorp Genetics (formerly Invitae), Labcorp
Classification: Uncertain significance for Neonatal-onset encephalopathy with rigidity and seizures. Last evaluated: 2023-11-27. Review status: criteria provided, single submitter. Criteria: Invitae Variant Classification Sherloc (09022015). Collection method: clinical testing. Allele origin: germline.
Comment: This sequence change replaces proline, which is neutral and non-polar, with leucine, which is neutral and non-polar, at codon 192 of the BRAT1 protein (p.Pro192Leu). This variant is present in population databases (rs772270013, gnomAD 0.007%). This variant has not been reported in the literature in individuals affected with BRAT1-related conditions. ClinVar contains an entry for this variant (Variation ID: 1018087). Advanced modeling of protein sequence and biophysical properties (such as structural, functional, and spatial information, amino acid conservation, physicochemical variation, residue mobility, and thermodynamic stability) performed at Invitae indicates that this missense variant is expected to disrupt BRAT1 protein function with a positive predictive value of 80%. In summary, the available evidence is currently insufficient to determine the role of this variant in disease. Therefore, it has been classified as a Variant of Uncertain Significance.

Ambry Genetics
Classification: Uncertain significance for Inborn genetic diseases. Last evaluated: 2023-06-01. Review status: criteria provided, single submitter. Criteria: Ambry Variant Classification Scheme 2023. Collection method: clinical testing. Allele origin: germline.

GeneDx
Classification: Uncertain significance. Last evaluated: 2021-08-10. Review status: criteria provided, single submitter. Criteria: GeneDx Variant Classification Process June 2021. Collection method: clinical testing. Allele origin: germline. Affected: yes.
Comment: Not observed at a significant frequency in large population cohorts (Lek et al., 2016); In silico analysis supports that this missense variant has a deleterious effect on protein structure/function; Has not been previously published as pathogenic or benign to our knowledge; This variant is associated with the following publications: (PMID: 25631046)

NM_152743.4(BRAT1):c.575C>T (p.Pro192Leu)

Gene: BRAT1 (BRCA1 associated ATM activator 1; minus strand). Cytogenetic location: 7p22.3.
Variant type: single nucleotide variant.
Coding change: c.575C>T on transcript NM_152743.4 (MANE Select); coding-DNA position 575, C replaced by T.
Protein change: p.Pro192Leu; replaces proline 192 with leucine.
Molecular consequence: missense variant. On other transcripts: non-coding transcript variant (1).
Genome position (GRCh38, 1-based): chr7:2,543,818, G>A on the plus strand (C>T on the coding strand, the complement: BRAT1 is on the minus strand). VCF-style: chr7-2543818-G-A. GRCh37 (hg19) VCF-style: chr7-2583452-G-A.
Other names: c.575C>T, p.Pro192Leu (NM_001350626.2); c.50C>T, p.Pro17Leu (NM_001350627.2); short protein forms P17L, P192L.
Identifiers: ClinVar variation 1018087 (VCV001018087.10), dbSNP rs772270013, ClinGen allele CA4128156.